The following is an entry in ClinVar:

ClinVar aggregate classification (germline): Uncertain significance (1 of 4 stars; one submission).

Allele frequency attached by ClinVar (database versions not stated): gnomAD exomes below 0.00001; TOPMed below 0.00001.

Submission:

Labcorp Genetics (formerly Invitae), Labcorp
Classification: Uncertain significance. Last evaluated: 2023-09-21. Review status: criteria provided, single submitter. Criteria: Invitae Variant Classification Sherloc (09022015). Collection method: clinical testing. Allele origin: germline.
Comment: In summary, the available evidence is currently insufficient to determine the role of this variant in disease. Therefore, it has been classified as a Variant of Uncertain Significance. An algorithm developed to predict the effect of missense changes on protein structure and function (PolyPhen-2) suggests that this variant is likely to be disruptive. This missense change has been observed in individual(s) with FOXC2-related conditions (PMID: 30029678). This variant is not present in population databases (gnomAD no frequency). This sequence change replaces valine, which is neutral and non-polar, with methionine, which is neutral and non-polar, at codon 7 of the FOXC2 protein (p.Val7Met).

Literature cited by the submitters: PubMed 30029678.

NM_005251.3(FOXC2):c.19G>A (p.Val7Met)

Genes: FOXC2 (forkhead box C2; plus strand), FOXC2-AS1 (FOXC2 antisense RNA 1; minus strand). Cytogenetic location: 16q24.1.
Variant type: single nucleotide variant.
Coding change: c.19G>A on transcript NM_005251.3 (MANE Select); coding-DNA position 19, G replaced by A.
Protein change: p.Val7Met; replaces valine 7 with methionine.
Molecular consequence: missense variant.
Genome position (GRCh38, 1-based): chr16:86,567,354, G>A. VCF-style: chr16-86567354-G-A. GRCh37 (hg19) VCF-style: chr16-86600960-G-A.
Other names: short protein forms V7M.
Identifiers: ClinVar variation 2907498 (VCV002907498.3), dbSNP rs1378523304, ClinGen allele CA397005504.
Genomic context (GRCh38, chr16:86,567,354, plus strand): 5'-AGTCCGTGCGCGAGGGCGCCGGCGAGCCGTCTCGGAAGCAGCATGCAGGCGCGCTACTCC[G>A]TGTCCGACCCCAACGCCCTGGGAGTGGTGCCCTACCTGAGCGAGCAGAATTACTACCGGG-3'
Protein context (NP_005242.1, residues 1-17): MQARYS[Val7Met]SDPNALGVVP